The following is an entry in ClinVar:

ClinVar aggregate classification (germline): Uncertain significance (1 of 4 stars; one submission).

Conditions:
Rhabdoid tumor predisposition syndrome 2 (RTPS2). Identifiers: Orphanet 231108, Orphanet 69077, MedGen C2750074, MONDO:0013224, OMIM 613325.

Submission:

Labcorp Genetics (formerly Invitae), Labcorp
Classification: Uncertain significance for Rhabdoid tumor predisposition syndrome 2. Last evaluated: 2025-03-10. Review status: criteria provided, single submitter. Criteria: Invitae Variant Classification Sherloc (09022015). Collection method: clinical testing. Allele origin: germline.
Comment: This sequence change falls in intron 19 of the SMARCA4 gene. It does not directly change the encoded amino acid sequence of the SMARCA4 protein. It affects a nucleotide within the consensus splice site. This variant is not present in population databases (gnomAD no frequency). This variant has not been reported in the literature in individuals affected with SMARCA4-related conditions. Variants that disrupt the consensus splice site are a relatively common cause of aberrant splicing (PMID: 17576681, 9536098). Algorithms developed to predict the effect of sequence changes on RNA splicing suggest that this variant may disrupt the consensus splice site. In summary, the available evidence is currently insufficient to determine the role of this variant in disease. Therefore, it has been classified as a Variant of Uncertain Significance.

Literature cited by the submitters: PubMed 17576681; PubMed 9536098.

NM_003072.5(SMARCA4):c.2859+6T>A

Gene: SMARCA4 (SWI/SNF related BAF chromatin remodeling complex subunit ATPase 4; plus strand). Cytogenetic location: 19p13.2.
Variant type: single nucleotide variant.
Coding change: c.2859+6T>A on transcript NM_003072.5 (MANE Select); 6 bases into the intron after coding-DNA position 2859, T replaced by A.
Molecular consequence: intron variant.
Genome position (GRCh38, 1-based): chr19:11,021,973, T>A. VCF-style: chr19-11021973-T-A. GRCh37 (hg19) VCF-style: chr19-11132649-T-A.
Other names: c.2859+6T>A (NM_001128844.3, NM_001128849.3, NM_001128847.4 and 6 more transcripts).
Identifiers: ClinVar variation 3610027 (VCV003610027.2).